The following is an entry in ClinVar:

NM_003072.5(SMARCA4):c.4429A>G (p.Ser1477Gly)

Gene: SMARCA4 (SWI/SNF related BAF chromatin remodeling complex subunit ATPase 4; plus strand). Cytogenetic location: 19p13.2.
Variant type: single nucleotide variant.
Coding change: c.4429A>G on transcript NM_003072.5 (MANE Select); coding-DNA position 4429, A replaced by G.
Protein change: p.Ser1477Gly; replaces serine 1477 with glycine.
Molecular consequence: missense variant. On other transcripts: non-coding transcript variant (1).
Genome position (GRCh38, 1-based): chr19:11,058,259, A>G. VCF-style: chr19-11058259-A-G. GRCh37 (hg19) VCF-style: chr19-11168935-A-G.
Other names: c.4429A>G, p.Ser1477Gly (NM_001128844.3); c.4339A>G, p.Ser1447Gly (NM_001128845.2); c.4336A>G, p.Ser1446Gly (NM_001128846.2); c.4330A>G, p.Ser1444Gly (NM_001128847.4, NM_001374457.1); c.4327A>G, p.Ser1443Gly (NM_001128848.2); c.4525A>G, p.Ser1509Gly (NM_001128849.3, NM_001387283.1); c.4426A>G, p.Ser1476Gly (NM_001411150.1); short protein forms S1447G, S1446G, S1476G, S1477G, S1509G, S1443G, S1444G.
Identifiers: ClinVar variation 5029836 (VCV005029836.1).

ClinVar aggregate classification (germline): Uncertain significance (1 of 4 stars; one submission).

Conditions:
Hereditary cancer-predisposing syndrome. Also called: Neoplastic Syndromes, Hereditary; Tumor predisposition; Hereditary neoplastic syndrome; Hereditary Cancer Syndrome. Identifiers: Orphanet 140162, MedGen C0027672, MeSH D009386, MONDO:0015356.

gnomAD v4.1: 3 of 1,611,212 alleles (0.00019%); highest among the groups gnomAD compares: Non-Finnish European, 0.00025%; no homozygotes.

Submission:

Ambry Genetics
Classification: Uncertain significance for Hereditary cancer-predisposing syndrome. Last evaluated: 2026-07-06. Review status: criteria provided, single submitter. Criteria: Ambry Variant Classification Scheme 2023. Collection method: clinical testing. Allele origin: germline.
Comment: The p.S1509G variant (also known as c.4525A>G), located in coding exon 31 of the SMARCA4 gene, results from an A to G substitution at nucleotide position 4525. The serine at codon 1509 is replaced by glycine, an amino acid with similar properties. This amino acid position is conserved. In addition, this alteration is predicted to be tolerated by in silico analysis. Based on the available evidence, the clinical significance of this variant remains unclear.